The following is an entry in ClinVar:

NM_001369.3(DNAH5):c.9427A>T (p.Lys3143Ter)

Gene: DNAH5 (dynein axonemal heavy chain 5; minus strand). Cytogenetic location: 5p15.2.
Variant type: single nucleotide variant.
Coding change: c.9427A>T on transcript NM_001369.3 (MANE Select); coding-DNA position 9427, A replaced by T.
Protein change: p.Lys3143Ter; replaces lysine 3143 with a stop codon.
Molecular consequence: nonsense.
Genome position (GRCh38, 1-based): chr5:13,770,927, T>A on the plus strand (A>T on the coding strand, the complement: DNAH5 is on the minus strand). VCF-style: chr5-13770927-T-A. GRCh37 (hg19) VCF-style: chr5-13771036-T-A.
Other names: c.9427A>T (NM_001369.2); short protein forms K3143*.
Identifiers: ClinVar variation 1453822 (VCV001453822.9), dbSNP rs765325621, ClinGen allele CA3202545.

ClinVar aggregate classification (germline): Pathogenic. Review status: criteria provided, multiple submitters, no conflicts (2 of 4 stars). 2 submissions from 2 submitters: Pathogenic (2). Last evaluated 2024-12-10.

Conditions:
Primary ciliary dyskinesia. Also called: Ciliary dyskinesia. Identifiers: Orphanet 244, MedGen C0008780, MONDO:0016575, HP:0012265.

Allele frequency attached by ClinVar (database versions not stated): TOPMed below 0.00001; ExAC 0.00001; gnomAD 0.00001.
gnomAD v4.1: 4 of 1,614,002 alleles (0.00025%); highest among the groups gnomAD compares: African/African-American, 0.0013%; no homozygotes.

Submissions (2):

Natera, Inc.
Classification: Pathogenic for Primary ciliary dyskinesia. Last evaluated: 2024-12-10. Review status: criteria provided, single submitter. Criteria: Natera Variant Classification Schema (03/2026). Collection method: clinical testing. Allele origin: germline.
Comment: The c.9427A>T variant in DNAH5 is a nonsense variant predicted to introduce a stop codon at amino acid 3143. This variant is expected to result in nonsense mediated decay, truncation, or a dysfunctional protein product. This variant is rare in the general population with a frequency below the threshold expected for the associated phenotype(s). This variant has been observed in one or more individuals affected with the associated recessive disease, as either homozygous or compound heterozygous with a second variant (PMID: 23891469). Additionally, this variant has been observed to segregate in affected family members (PMID: 23891469). Given the available evidence, this variant is classified as Pathogenic.

Labcorp Genetics (formerly Invitae), Labcorp
Classification: Pathogenic for Primary ciliary dyskinesia. Last evaluated: 2024-09-28. Review status: criteria provided, single submitter. Criteria: Invitae Variant Classification Sherloc (09022015). Collection method: clinical testing. Allele origin: germline.
Comment: This sequence change creates a premature translational stop signal (p.Lys3143*) in the DNAH5 gene. It is expected to result in an absent or disrupted protein product. Loss-of-function variants in DNAH5 are known to be pathogenic (PMID: 11788826, 16627867). This variant is not present in population databases (gnomAD no frequency). This premature translational stop signal has been observed in individual(s) with clinical features of primary ciliary dyskinesia (PMID: 23891469, 30067075). ClinVar contains an entry for this variant (Variation ID: 1453822). Algorithms developed to predict the effect of sequence changes on RNA splicing suggest that this variant may disrupt the consensus splice site. For these reasons, this variant has been classified as Pathogenic.

Literature cited by the submitters: PubMed 23891469 (cited by Natera, Inc. and Labcorp Genetics (formerly Invitae), Labcorp); PubMed 11788826 (cited by Labcorp Genetics (formerly Invitae), Labcorp); PubMed 16627867 (cited by Labcorp Genetics (formerly Invitae), Labcorp); PubMed 30067075 (cited by Labcorp Genetics (formerly Invitae), Labcorp).